The following is an entry in ClinVar:

NM_000918.4(P4HB):c.136G>A (p.Val46Met)

Gene: P4HB (prolyl 4-hydroxylase subunit beta; minus strand). Cytogenetic location: 17q25.3.
Variant type: single nucleotide variant.
Coding change: c.136G>A on transcript NM_000918.4 (MANE Select); coding-DNA position 136, G replaced by A.
Protein change: p.Val46Met; replaces valine 46 with methionine.
Molecular consequence: missense variant.
Genome position (GRCh38, 1-based): chr17:81,860,336, C>T on the plus strand (G>A on the coding strand, the complement: P4HB is on the minus strand). VCF-style: chr17-81860336-C-T. GRCh37 (hg19) VCF-style: chr17-79818212-C-T.
Other names: short protein forms V46M.
Identifiers: ClinVar variation 4777233 (VCV004777233.1).
Genomic context (GRCh38, chr17:81,860,336, plus strand): 5'-GCCTGGCTCAGCGGCCCCGAGCCCCGCCCGCCCGCCAGGCCCGGCGCTCACAGAACTCCA[C>T]CAGCAGGTACTTGTGGGCCGCCAGCGCCTCCGCGAAGTTGCTTTTCCGCAGCACCAGGAC-3'
Protein context (NP_000909.2, residues 36-56): EALAAHKYLL[Val46Met]EFYAPWCGHC

ClinVar aggregate classification (germline): Uncertain significance (1 of 4 stars; one submission).

Submission:

Labcorp Genetics (formerly Invitae), Labcorp
Classification: Uncertain significance. Last evaluated: 2025-08-31. Review status: criteria provided, single submitter. Criteria: Invitae Variant Classification Sherloc (09022015). Collection method: clinical testing. Allele origin: germline.
Comment: This sequence change replaces valine, which is neutral and non-polar, with methionine, which is neutral and non-polar, at codon 46 of the P4HB protein (p.Val46Met). This variant is present in population databases (no rsID available, gnomAD 0.007%). This variant has not been reported in the literature in individuals affected with P4HB-related conditions. Invitae Evidence Modeling of protein sequence and biophysical properties (such as structural, functional, and spatial information, amino acid conservation, physicochemical variation, residue mobility, and thermodynamic stability) indicates that this missense variant is expected to disrupt P4HB protein function with a positive predictive value of 80%. In summary, the available evidence is currently insufficient to determine the role of this variant in disease. Therefore, it has been classified as a Variant of Uncertain Significance.